The following is an entry in ClinVar:

ClinVar aggregate classification (germline): Conflicting classifications of pathogenicity. Review status: criteria provided, conflicting classifications (1 of 4 stars). 2 submissions from 2 submitters: Likely pathogenic (1); Uncertain significance (1). Last evaluated 2025-10-21.

Conditions:
Cardiovascular phenotype. Identifiers: MedGen CN230736.
Amyloidosis, hereditary systemic 1 (AMYLD1). Also called: Hereditary oculoleptomeningeal amyloid angiopathy; Familial Transthyretin Amyloidosis; Hereditary Transthyretin Amyloidosis; Isolated Cardiac Amyloidosis; Amyloid Cardiomyopathy, Transthyretin-related; Familial amyloid polyneuropathy. Identifiers: Orphanet 85447, Orphanet 85451, MedGen C2751492, MONDO:0971004, OMIM 105210.

Submissions (2):

Ambry Genetics
Classification: Uncertain significance for Cardiovascular phenotype. Last evaluated: 2025-10-21. Review status: criteria provided, single submitter. Criteria: Ambry Variant Classification Scheme 2023. Collection method: clinical testing. Allele origin: germline.
Comment: The p.R54S variant (also known as c.162A>C and p.R34S), located in coding exon 2 of the TTR gene, results from an A to C substitution at nucleotide position 162. The arginine at codon 54 is replaced by serine, an amino acid with dissimilar properties. This amino acid position is well conserved in available vertebrate species. In addition, the in silico prediction for this alteration is inconclusive. Based on the available evidence, the clinical significance of this variant remains unclear.

Labcorp Genetics (formerly Invitae), Labcorp
Classification: Likely pathogenic for Amyloidosis, hereditary systemic 1. Last evaluated: 2024-05-08. Review status: criteria provided, single submitter. Criteria: Invitae Variant Classification Sherloc (09022015). Collection method: clinical testing. Allele origin: germline.
Comment: This sequence change replaces arginine, which is basic and polar, with serine, which is neutral and polar, at codon 54 of the TTR protein (p.Arg54Ser). This variant is not present in population databases (gnomAD no frequency). This variant has not been reported in the literature in individuals affected with TTR-related conditions. ClinVar contains an entry for this variant (Variation ID: 1776772). Advanced modeling of protein sequence and biophysical properties (such as structural, functional, and spatial information, amino acid conservation, physicochemical variation, residue mobility, and thermodynamic stability) performed at Invitae indicates that this missense variant is expected to disrupt TTR protein function with a positive predictive value of 95%. This variant disrupts the p.Arg54 amino acid residue in TTR. Other variant(s) that disrupt this residue have been determined to be pathogenic (PMID: 9605286, 21692911, 22187309, 22745357). This suggests that this residue is clinically significant, and that variants that disrupt this residue are likely to be disease-causing. In summary, the currently available evidence indicates that the variant is pathogenic, but additional data are needed to prove that conclusively. Therefore, this variant has been classified as Likely Pathogenic.

Literature cited by the submitters: PubMed 33844361 (cited by Ambry Genetics); PubMed 9605286 (cited by Labcorp Genetics (formerly Invitae), Labcorp); PubMed 21692911 (cited by Labcorp Genetics (formerly Invitae), Labcorp); PubMed 22187309 (cited by Labcorp Genetics (formerly Invitae), Labcorp); PubMed 22745357 (cited by Labcorp Genetics (formerly Invitae), Labcorp).

NM_000371.4(TTR):c.162A>C (p.Arg54Ser)

Gene: TTR (transthyretin; plus strand). Cytogenetic location: 18q12.1.
Variant type: single nucleotide variant.
Coding change: c.162A>C on transcript NM_000371.4 (MANE Select); coding-DNA position 162, A replaced by C.
Protein change: p.Arg54Ser; replaces arginine 54 with serine.
Molecular consequence: missense variant.
Genome position (GRCh38, 1-based): chr18:31,592,988, A>C. VCF-style: chr18-31592988-A-C. GRCh37 (hg19) VCF-style: chr18-29172951-A-C.
Other names: short protein forms R54S.
Identifiers: ClinVar variation 1776772 (VCV001776772.5), dbSNP rs2510932394, ClinGen allele CA402156801.